The following is an entry in ClinVar:

NM_020964.3(EPG5):c.5602G>C (p.Gly1868Arg)

Gene: EPG5 (ectopic P-granules 5 autophagy tethering factor; minus strand). Cytogenetic location: 18q12.3.
Variant type: single nucleotide variant.
Coding change: c.5602G>C on transcript NM_020964.3 (MANE Select); coding-DNA position 5602, G replaced by C.
Protein change: p.Gly1868Arg; replaces glycine 1868 with arginine.
Molecular consequence: missense variant.
Genome position (GRCh38, 1-based): chr18:45,880,140, C>G on the plus strand (G>C on the coding strand, the complement: EPG5 is on the minus strand). VCF-style: chr18-45880140-C-G. GRCh37 (hg19) VCF-style: chr18-43460105-C-G.
Other names: c.5602G>C (NM_020964.2); short protein forms G1868R.
Identifiers: ClinVar variation 1440822 (VCV001440822.8), dbSNP rs762207905, ClinGen allele CA402343452.
Genomic context (GRCh38, chr18:45,880,140, plus strand): 5'-TGTCTGACAAGAGAGCATCAGAAGAGCTGGGAAGCACGGCGCCCTCGGTGGACGCTGCCC[C>G]CTGCTGGCAGCTGGGGGCGCAGCAGCCCAGGGCTCTCAGAGTGGCCTTCCAACACTCGGG-3'
Protein context (NP_066015.2, residues 1858-1878): LGCCAPSCQQ[Gly1868Arg]AASTEGAVLP

ClinVar aggregate classification (germline): Uncertain significance. Review status: criteria provided, multiple submitters, no conflicts (2 of 4 stars). 2 submissions from 2 submitters: Uncertain significance (2). Last evaluated 2024-12-07.

Conditions:
Inborn genetic diseases. Identifiers: MedGen C0950123, MeSH D030342.
Vici syndrome (VICIS). Identifiers: Orphanet 1493, MedGen C1855772, MONDO:0009452, OMIM 242840.

gnomAD v4.1: 8 of 1,611,506 alleles (0.0005%); highest among the groups gnomAD compares: South Asian, 0.0022%; no homozygotes.

Submissions (2):

Labcorp Genetics (formerly Invitae), Labcorp
Classification: Uncertain significance for Vici syndrome. Last evaluated: 2024-12-07. Review status: criteria provided, single submitter. Criteria: Invitae Variant Classification Sherloc (09022015). Collection method: clinical testing. Allele origin: germline.
Comment: This sequence change replaces glycine, which is neutral and non-polar, with arginine, which is basic and polar, at codon 1868 of the EPG5 protein (p.Gly1868Arg). This variant is present in population databases (no rsID available, gnomAD 0.003%). This variant has not been reported in the literature in individuals affected with EPG5-related conditions. ClinVar contains an entry for this variant (Variation ID: 1440822). Invitae Evidence Modeling of protein sequence and biophysical properties (such as structural, functional, and spatial information, amino acid conservation, physicochemical variation, residue mobility, and thermodynamic stability) indicates that this missense variant is not expected to disrupt EPG5 protein function with a negative predictive value of 80%. In summary, the available evidence is currently insufficient to determine the role of this variant in disease. Therefore, it has been classified as a Variant of Uncertain Significance.

Ambry Genetics
Classification: Uncertain significance for Inborn genetic diseases. Last evaluated: 2024-05-28. Review status: criteria provided, single submitter. Criteria: Ambry Variant Classification Scheme 2023. Collection method: clinical testing. Allele origin: germline.